The following is an entry in ClinVar:

ClinVar aggregate classification (germline): Uncertain significance (1 of 4 stars; one submission).

Submission:

Labcorp Genetics (formerly Invitae), Labcorp
Classification: Uncertain significance. Last evaluated: 2022-07-06. Review status: criteria provided, single submitter. Criteria: Invitae Variant Classification Sherloc (09022015). Collection method: clinical testing. Allele origin: germline.
Comment: In summary, the available evidence is currently insufficient to determine the role of this variant in disease. Therefore, it has been classified as a Variant of Uncertain Significance. Algorithms developed to predict the effect of missense changes on protein structure and function are either unavailable or do not agree on the potential impact of this missense change (SIFT: "Tolerated"; PolyPhen-2: "Probably Damaging"; Align-GVGD: "Class C0"). This variant has not been reported in the literature in individuals affected with CDT1-related conditions. This variant is not present in population databases (gnomAD no frequency). This sequence change replaces arginine, which is basic and polar, with proline, which is neutral and non-polar, at codon 295 of the CDT1 protein (p.Arg295Pro).

NM_030928.4(CDT1):c.884G>C (p.Arg295Pro)

Gene: CDT1 (chromatin licensing and DNA replication factor 1; plus strand). Cytogenetic location: 16q24.3.
Variant type: single nucleotide variant.
Coding change: c.884G>C on transcript NM_030928.4 (MANE Select); coding-DNA position 884, G replaced by C.
Protein change: p.Arg295Pro; replaces arginine 295 with proline.
Molecular consequence: missense variant.
Genome position (GRCh38, 1-based): chr16:88,806,072, G>C. VCF-style: chr16-88806072-G-C. GRCh37 (hg19) VCF-style: chr16-88872480-G-C.
Other names: short protein forms R295P.
Identifiers: ClinVar variation 2053698 (VCV002053698.4), dbSNP rs149521649, ClinGen allele CA397077871.